The following is an entry in ClinVar:

NM_003289.4(TPM2):c.493-2A>G

Gene: TPM2 (tropomyosin 2; minus strand). Cytogenetic location: 9p13.3.
Variant type: single nucleotide variant.
Coding change: c.493-2A>G on transcript NM_003289.4 (MANE Select); the canonical splice acceptor site of the intron before coding-DNA position 493, A replaced by G.
Molecular consequence: splice acceptor variant.
Genome position (GRCh38, 1-based): chr9:35,685,341, T>C on the plus strand (A>G on the coding strand, the complement: TPM2 is on the minus strand). VCF-style: chr9-35685341-T-C. GRCh37 (hg19) VCF-style: chr9-35685338-T-C.
Other names: c.493-2A>G (NM_213674.1, NM_001301226.2, NM_001301227.2).
Identifiers: ClinVar variation 1468701 (VCV001468701.8), dbSNP rs2131851980, ClinGen allele CA373366891.

ClinVar aggregate classification (germline): Likely pathogenic (1 of 4 stars; one submission).

Conditions:
Arthrogryposis, distal, type 1A. Also called: ARTHROGRYPOSIS MULTIPLEX CONGENITA, DISTAL, TYPE I. Identifiers: Orphanet 1146, MedGen C6022280, MONDO:0007157, OMIM 108120.

Allele frequency attached by ClinVar (database versions not stated): gnomAD exomes below 0.00001.
gnomAD v4.1: 6 of 1,614,072 alleles (0.00037%); highest among the groups gnomAD compares: African/African-American, 0.0013%; no homozygotes.

Submission:

Labcorp Genetics (formerly Invitae), Labcorp
Classification: Likely pathogenic for Arthrogryposis, distal, type 1A. Last evaluated: 2021-02-17. Review status: criteria provided, single submitter. Criteria: Invitae Variant Classification Sherloc (09022015). Collection method: clinical testing. Allele origin: germline.
Comment: This sequence change affects an acceptor splice site in intron 4 of the TPM2 gene. It is expected to disrupt RNA splicing. Variants that disrupt the donor or acceptor splice site typically lead to a loss of protein function (PMID: 16199547), and loss-of-function variants in TPM2 are known to be pathogenic (PMID: 19155175, 27726070). In summary, the currently available evidence indicates that the variant is pathogenic, but additional data are needed to prove that conclusively. Therefore, this variant has been classified as Likely Pathogenic. Algorithms developed to predict the effect of sequence changes on RNA splicing suggest that this variant may disrupt the consensus splice site, but this prediction has not been confirmed by published transcriptional studies. This variant has not been reported in the literature in individuals with TPM2-related conditions. This variant is not present in population databases (ExAC no frequency).

Literature cited by the submitters: PubMed 16199547; PubMed 19155175; PubMed 27726070.